The following is an entry in ClinVar:

ClinVar aggregate classification (germline): Conflicting classifications of pathogenicity. Review status: criteria provided, conflicting classifications (1 of 4 stars). 2 submissions from 2 submitters: Uncertain significance (1); Likely benign (1). Last evaluated 2024-02-24.

Allele frequency attached by ClinVar (database versions not stated): gnomAD exomes below 0.00001; TOPMed 0.00002.

Submissions (2):

Labcorp Genetics (formerly Invitae), Labcorp
Classification: Uncertain significance. Last evaluated: 2024-02-24. Review status: criteria provided, single submitter. Criteria: Invitae Variant Classification Sherloc (09022015). Collection method: clinical testing. Allele origin: germline.
Comment: This sequence change falls in intron 7 of the ZNF341 gene. It does not directly change the encoded amino acid sequence of the ZNF341 protein. It affects a nucleotide within the consensus splice site. This variant is not present in population databases (gnomAD no frequency). This variant has not been reported in the literature in individuals affected with ZNF341-related conditions. ClinVar contains an entry for this variant (Variation ID: 2183940). Variants that disrupt the consensus splice site are a relatively common cause of aberrant splicing (PMID: 17576681, 9536098). Algorithms developed to predict the effect of sequence changes on RNA splicing suggest that this variant is not likely to affect RNA splicing. In summary, the available evidence is currently insufficient to determine the role of this variant in disease. Therefore, it has been classified as a Variant of Uncertain Significance.

Blueprint Genetics
Classification: Likely benign. Last evaluated: 2024-01-18. Review status: criteria provided, single submitter. Criteria: ACMG Guidelines, 2015. Collection method: clinical testing. Allele origin: germline.

Literature cited by the submitters: PubMed 17576681 (cited by Labcorp Genetics (formerly Invitae), Labcorp); PubMed 9536098 (cited by Labcorp Genetics (formerly Invitae), Labcorp).

NM_001282933.2(ZNF341):c.1028+6C>T

Gene: ZNF341 (zinc finger protein 341; plus strand). Cytogenetic location: 20q11.22.
Variant type: single nucleotide variant.
Coding change: c.1028+6C>T on transcript NM_001282933.2 (MANE Select); 6 bases into the intron after coding-DNA position 1028, C replaced by T.
Molecular consequence: intron variant.
Genome position (GRCh38, 1-based): chr20:33,758,812, C>T. VCF-style: chr20-33758812-C-T. GRCh37 (hg19) VCF-style: chr20-32346618-C-T.
Other names: c.1007+6C>T (NM_032819.5); c.758+6C>T (NM_001282935.2).
Identifiers: ClinVar variation 2183940 (VCV002183940.4), dbSNP rs2019234506, ClinGen allele CA2360900364.
Genomic context (GRCh38, chr20:33,758,812, plus strand): 5'-CATACTGTGACAAGTCATTCACCAAAAACTTTGACCTGCAGCAGCACATCCGAAGGTACA[C>T]ATGCGTGGTGAGGCAGGTGGCTCCTGGGCAGGTGTGGCTGGGACCATCTGTGCTGGAAGC-3'